The following is an entry in ClinVar:

ClinVar aggregate classification (germline): Uncertain significance. Review status: criteria provided, multiple submitters, no conflicts (2 of 4 stars). 3 submissions from 3 submitters: Uncertain significance (3). Last evaluated 2025-10-09.

Conditions:
Inborn genetic diseases. Identifiers: MedGen C0950123, MeSH D030342.
Charcot-Marie-Tooth disease type 4. Also called: Charcot-Marie-Tooth disease, type IV; Charcot-Marie-Tooth, Type 4. Identifiers: Orphanet 64749, MedGen C4082197, MONDO:0018995.

gnomAD v4.1: 3 of 1,614,092 alleles (0.00019%); highest among the groups gnomAD compares: Admixed American, 0.0033%; no homozygotes.

Submissions (3):

Athena Diagnostics
Classification: Uncertain significance. Last evaluated: 2025-10-09. Review status: criteria provided, single submitter. Criteria: Athena Diagnostics Criteria. Collection method: clinical testing. Allele origin: unknown.
Comment: Available data are insufficient to determine the clinical significance of the variant at this time. This variant has not been reported in large, multi-ethnic general populations. Polyphen and MutationTaster predict this amino acid change may be damaging to the protein. The variant is located in a region that is considered important for protein function and/or structure.

Ambry Genetics
Classification: Uncertain significance for Inborn genetic diseases. Last evaluated: 2025-04-20. Review status: criteria provided, single submitter. Criteria: Ambry Variant Classification Scheme 2023. Collection method: clinical testing. Allele origin: germline.

Labcorp Genetics (formerly Invitae), Labcorp
Classification: Uncertain significance for Charcot-Marie-Tooth disease type 4. Last evaluated: 2019-06-11. Review status: criteria provided, single submitter. Criteria: Invitae Variant Classification Sherloc (09022015). Collection method: clinical testing. Allele origin: germline.
Comment: This sequence change replaces serine with asparagine at codon 67 of the PRX protein (p.Ser67Asn). The serine residue is highly conserved and there is a small physicochemical difference between serine and asparagine. This variant is not present in population databases (ExAC no frequency). This variant has not been reported in the literature in individuals with PRX-related disease. Algorithms developed to predict the effect of missense changes on protein structure and function do not agree on the potential impact of this missense change (SIFT: "Deleterious"; PolyPhen-2: "Benign"; Align-GVGD: "Class C0"). In summary, the available evidence is currently insufficient to determine the role of this variant in disease. Therefore, it has been classified as a Variant of Uncertain Significance.

NM_181882.3(PRX):c.200G>A (p.Ser67Asn)

Gene: PRX (periaxin; minus strand). Cytogenetic location: 19q13.2.
Variant type: single nucleotide variant.
Coding change: c.200G>A on transcript NM_181882.3 (MANE Select); coding-DNA position 200, G replaced by A.
Protein change: p.Ser67Asn; replaces serine 67 with asparagine.
Molecular consequence: missense variant.
Genome position (GRCh38, 1-based): chr19:40,398,801, C>T on the plus strand (G>A on the coding strand, the complement: PRX is on the minus strand). VCF-style: chr19-40398801-C-T. GRCh37 (hg19) VCF-style: chr19-40904708-C-T.
Other names: c.200G>A, p.Ser67Asn (NM_020956.2); short protein forms S67N.
Identifiers: ClinVar variation 576014 (VCV000576014.12), dbSNP rs1568710768, ClinGen allele CA405901402.